The following is an entry in ClinVar:

NM_002397.5(MEF2C):c.861G>A (p.Ser287=)

Gene: MEF2C (myocyte enhancer factor 2C; minus strand). Cytogenetic location: 5q14.3.
Variant type: single nucleotide variant.
Coding change: c.861G>A on transcript NM_002397.5 (MANE Select); coding-DNA position 861, G replaced by A.
Protein change: p.Ser287=; no amino-acid change (serine 287 retained).
Molecular consequence: synonymous variant.
Genome position (GRCh38, 1-based): chr5:88,729,321, C>T on the plus strand (G>A on the coding strand, the complement: MEF2C is on the minus strand). VCF-style: chr5-88729321-C-T. GRCh37 (hg19) VCF-style: chr5-88025138-C-T.
Other names: c.831G>A, p.Ser277= (NM_001131005.2, NM_001364343.2, NM_001364352.2); c.891G>A, p.Ser297= (NM_001193347.1, NM_001364338.2); c.693G>A, p.Ser231= (NM_001193348.1); c.717G>A, p.Ser239= (NM_001193349.3, NM_001364332.2, NM_001364344.2 and 2 more transcripts); c.861G>A, p.Ser287= (NM_001193350.2, NM_001363581.2, NM_001364329.2 and 9 more transcripts); c.837G>A, p.Ser279= (NM_001308002.3, NM_001364333.2, NM_001364339.2 and 6 more transcripts); c.483G>A, p.Ser161= (NM_001364353.2, NM_001364356.2); c.411G>A, p.Ser137= (NM_001364357.2).
Identifiers: ClinVar variation 354584 (VCV000354584.14), dbSNP rs185655344, ClinGen allele CA3337222.

ClinVar aggregate classification (germline): Likely benign. Review status: criteria provided, multiple submitters, no conflicts (2 of 4 stars). 5 submissions from 5 submitters: Likely benign (4). 1 of the submissions does not count toward it. Last evaluated 2025-12-24.

Conditions:
Neurodevelopmental disorder with hypotonia, stereotypic hand movements, and impaired language. Also called: Intellectual disability, autosomal dominant 20. Identifiers: Orphanet 228384, Orphanet 664410, MedGen C3150700, MONDO:0013266, OMIM 613443.
MEF2C-related disorder. Also called: MEF2C-related condition; MEF2C-related disorders. Identifiers: MedGen CN381096.
Inborn genetic diseases. Identifiers: MedGen C0950123, MeSH D030342.

Allele frequency attached by ClinVar (database versions not stated): ExAC 0.00001; gnomAD 0.00001 and 0.00003; TOPMed 0.00002; gnomAD exomes 0.00003; ESP Exome Variant Server 0.00008; 1000 Genomes Project 30x 0.00062; 1000 Genomes Project 0.00100.
gnomAD v4.1: 25 of 1,611,812 alleles (0.0016%); highest among the groups gnomAD compares: East Asian, 0.022%; no homozygotes.

Submissions (5):

Labcorp Genetics (formerly Invitae), Labcorp
Classification: Likely benign for Neurodevelopmental disorder with hypotonia, stereotypic hand movements, and impaired language. Last evaluated: 2025-12-24. Review status: criteria provided, single submitter. Criteria: Invitae Variant Classification Sherloc (09022015). Collection method: clinical testing. Allele origin: germline.

Blueprint Genetics
Classification: Likely benign. Last evaluated: 2023-03-29. Review status: criteria provided, single submitter. Criteria: ACMG Guidelines, 2015. Collection method: clinical testing. Allele origin: germline.

Ambry Genetics
Classification: Likely benign for Inborn genetic diseases. Last evaluated: 2018-10-16. Review status: criteria provided, single submitter. Criteria: Ambry Variant Classification Scheme 2023. Collection method: clinical testing. Allele origin: germline.

GeneDx
Classification: Likely benign. Last evaluated: 2017-08-28. Review status: criteria provided, single submitter. Criteria: GeneDx Variant Classification (06012015). Collection method: clinical testing. Allele origin: germline. Affected: yes.
Comment: This variant is considered likely benign or benign based on one or more of the following criteria: it is a conservative change, it occurs at a poorly conserved position in the protein, it is predicted to be benign by multiple in silico algorithms, and/or has population frequency not consistent with disease.

PreventionGenetics, part of Exact Sciences
Classification: Likely benign for MEF2C-related condition. Last evaluated: 2019-08-01. Review status: no assertion criteria provided. Collection method: clinical testing. Allele origin: germline. Not counted in ClinVar's aggregate classification.
Comment: This variant is classified as likely benign based on ACMG/AMP sequence variant interpretation guidelines (Richards et al. 2015 PMID: 25741868, with internal and published modifications).